The following is an entry in ClinVar:

ClinVar aggregate classification (germline): Benign/Likely benign. Review status: criteria provided, multiple submitters, no conflicts (2 of 4 stars). 2 submissions from 2 submitters: Benign (1); Likely benign (1). Last evaluated 2021-05-11.

Conditions:
Classic homocystinuria. Also called: Homocystinuria due to Cystathionine Beta-Synthase Deficiency; HOMOCYSTINURIA WITH OR WITHOUT RESPONSE TO PYRIDOXINE; Homocystinuria due to CBS deficiency; Cystathionine beta-synthase deficiency; CBS deficiency. Identifiers: Orphanet 394, MedGen C0751202, MONDO:0009352, OMIM 236200.

Allele frequency attached by ClinVar (database versions not stated): gnomAD 0.01854; 1000 Genomes Project 0.02436.

Submissions (2):

GeneDx
Classification: Benign. Last evaluated: 2021-05-11. Review status: criteria provided, single submitter. Criteria: GeneDx Variant Classification Process June 2021. Collection method: clinical testing. Allele origin: germline. Affected: yes.

Illumina Laboratory Services, Illumina
Classification: Likely benign for Classic homocystinuria. Last evaluated: 2017-04-28. Review status: criteria provided, single submitter. Criteria: ICSL Variant Classification Criteria 13 December 2019. Collection method: clinical testing. Allele origin: germline.
Comment: This variant was observed as part of a predisposition screen in an ostensibly healthy population. A literature search was performed for the gene, cDNA change, and amino acid change (where applicable). No publications were found based on this search. Allele frequency data from public databases allowed determination this variant is unlikely to cause disease. Therefore, this variant is classified as likely benign.

NM_000071.3(CBS):c.*383C>T

Gene: CBS (cystathionine beta-synthase; minus strand). Cytogenetic location: 21q22.3.
Variant type: single nucleotide variant.
Coding change: c.*383C>T on transcript NM_000071.3 (MANE Select); 383 bases downstream of the stop codon, C replaced by T.
Molecular consequence: 3 prime UTR variant.
Genome position (GRCh38, 1-based): chr21:43,053,497, G>A on the plus strand (C>T on the coding strand, the complement: CBS is on the minus strand). VCF-style: chr21-43053497-G-A. GRCh37 (hg19) VCF-style: chr21-44473607-G-A.
Other names: c.*383C>T (NM_001178008.3, NM_001320298.2, NM_001321072.1); c.*169C>T (NM_001178009.3).
Identifiers: ClinVar variation 340075 (VCV000340075.7), dbSNP rs73372352, ClinGen allele CA10650549.